The following is an entry in ClinVar:

ClinVar aggregate classification (germline): Likely benign (1 of 4 stars; one submission).

gnomAD v4.1: 936 of 1,613,558 alleles (0.058%); highest among the groups gnomAD compares: South Asian, 0.86%; 10 homozygotes.

Submission:

CeGaT Center for Human Genetics Tuebingen
Classification: Likely benign. Last evaluated: 2026-08-01. Review status: criteria provided, single submitter. Criteria: CeGaT Center For Human Genetics Tuebingen Variant Classification Criteria Version 2. Collection method: clinical testing. Allele origin: germline. Affected: yes. Observed: 1 variant allele.
Comment: TNPO2: BP4, BP7, BS1

NM_001382241.1(TNPO2):c.2346C>T (p.Ile782=)

Genes: TNPO2 (transportin 2; minus strand), LOC126862859 (CDK7 strongly-dependent group 2 enhancer GRCh37_chr19:12811952-12813151; plus strand). Cytogenetic location: 19p13.13.
Variant type: single nucleotide variant.
Coding change: c.2346C>T on transcript NM_001382241.1 (MANE Select); coding-DNA position 2346, C replaced by T.
Protein change: p.Ile782=; no amino-acid change (isoleucine 782 retained).
Molecular consequence: synonymous variant. On other transcripts: non-coding transcript variant (6).
Genome position (GRCh38, 1-based): chr19:12,702,137, G>A on the plus strand (C>T on the coding strand, the complement: TNPO2 is on the minus strand). VCF-style: chr19-12702137-G-A. GRCh37 (hg19) VCF-style: chr19-12812951-G-A.
Other names: c.2316C>T, p.Ile772= (NM_001136195.2, NM_001382236.1, NM_001382237.1 and 3 more transcripts); c.2346C>T, p.Ile782= (NM_001136196.2, NM_001382240.1, NM_001382242.1); c.2310C>T, p.Ile770= (NM_001382243.1).
Identifiers: ClinVar variation 5038823 (VCV005038823.1).